The following is an entry in ClinVar:

ClinVar aggregate classification (germline): Conflicting classifications of pathogenicity. Review status: criteria provided, conflicting classifications (1 of 4 stars). 3 submissions from 3 submitters: Uncertain significance (1); Likely benign (1). 1 of the submissions does not count toward it. Last evaluated 2026-02-02.

Conditions:
Inborn genetic diseases. Identifiers: MedGen C0950123, MeSH D030342.
PODXL-related disorder. Also called: PODXL-related condition.

Allele frequency attached by ClinVar (database versions not stated): gnomAD exomes 0.00003; gnomAD 0.00007; TOPMed 0.00009; ExAC 0.00011; 1000 Genomes Project 0.00060; 1000 Genomes Project 30x 0.00078.
gnomAD v4.1: 52 of 1,556,026 alleles (0.0033%); highest among the groups gnomAD compares: East Asian, 0.097%; no homozygotes.

Submissions (3):

Labcorp Genetics (formerly Invitae), Labcorp
Classification: Likely benign. Last evaluated: 2026-02-02. Review status: criteria provided, single submitter. Criteria: Invitae Variant Classification Sherloc (09022015). Collection method: clinical testing. Allele origin: germline.

Ambry Genetics
Classification: Uncertain significance for Inborn genetic diseases. Last evaluated: 2023-12-21. Review status: criteria provided, single submitter. Criteria: Ambry Variant Classification Scheme 2023. Collection method: clinical testing. Allele origin: germline.
Comment: The c.1479+5G>A intronic alteration consists of a G to A substitution 5 nucleotides after coding exon 8 in the PODXL gene. Based on insufficient or conflicting evidence, the clinical significance of this alteration remains unclear.

PreventionGenetics, part of Exact Sciences
Classification: Likely benign for PODXL-related condition. Last evaluated: 2023-11-08. Review status: no assertion criteria provided. Collection method: clinical testing. Allele origin: germline. Not counted in ClinVar's aggregate classification.
Comment: This variant is classified as likely benign based on ACMG/AMP sequence variant interpretation guidelines (Richards et al. 2015 PMID: 25741868, with internal and published modifications).

NM_001018111.3(PODXL):c.1479+5G>A

Gene: PODXL (podocalyxin like; minus strand). Cytogenetic location: 7q32.3.
Variant type: single nucleotide variant.
Coding change: c.1479+5G>A on transcript NM_001018111.3 (MANE Select); 5 bases into the intron after coding-DNA position 1479, G replaced by A.
Molecular consequence: intron variant.
Genome position (GRCh38, 1-based): chr7:131,505,863, C>T on the plus strand (G>A on the coding strand, the complement: PODXL is on the minus strand). VCF-style: chr7-131505863-C-T. GRCh37 (hg19) VCF-style: chr7-131190622-C-T.
Other names: c.1383+5G>A (NM_005397.4, NM_005397.3); c.1479+5G>A (NM_001018111.2).
Identifiers: ClinVar variation 2074789 (VCV002074789.7), dbSNP rs201551993, ClinGen allele CA4488355.